The following is an entry in ClinVar:

NM_052947.4(ALPK2):c.1002T>A (p.Asp334Glu)

Genes: ALPK2 (alpha kinase 2; minus strand), LOC114803473 (ALPK2 eExon liver enhancer; plus strand). Cytogenetic location: 18q21.31.
Variant type: single nucleotide variant.
Coding change: c.1002T>A on transcript NM_052947.4 (MANE Select); coding-DNA position 1002, T replaced by A.
Protein change: p.Asp334Glu; replaces aspartic acid 334 with glutamic acid.
Molecular consequence: missense variant.
Genome position (GRCh38, 1-based): chr18:58,579,774, A>T on the plus strand (T>A on the coding strand, the complement: ALPK2 is on the minus strand). VCF-style: chr18-58579774-A-T. GRCh37 (hg19) VCF-style: chr18-56247006-A-T.
Other names: short protein forms D334E.
Identifiers: ClinVar variation 3289890 (VCV003289890.1).
Genomic context (GRCh38, chr18:58,579,774, plus strand): 5'-AACATGCTCAGTCCCCAGCAGGTTCCTTTGCCAAACTGCATTAGAGTAATCCGTCATAAC[A>T]TCAGAACATTCCAGATACTCCAGGTCATCATCTGAAAACTCCTCGGTGTAGGTTAGGGTT-3'
Protein context (NP_443179.3, residues 324-344): DDDLEYLECS[Asp334Glu]VMTDYSNAVW

ClinVar aggregate classification (germline): Uncertain significance (1 of 4 stars; one submission).

Submission:

Ambry Genetics
Classification: Uncertain significance. Last evaluated: 2024-03-28. Review status: criteria provided, single submitter. Criteria: Ambry Variant Classification Scheme 2023. Collection method: clinical testing. Allele origin: germline.
Comment: The p.D334E variant (also known as c.1002T>A), located in coding exon 3 of the ALPK2 gene, results from a T to A substitution at nucleotide position 1002. The aspartic acid at codon 334 is replaced by glutamic acid, an amino acid with highly similar properties. This amino acid position is conserved. In addition, this alteration is predicted to be tolerated by in silico analysis. Based on the available evidence, the clinical significance of this alteration remains unclear.